The following is an entry in ClinVar:

ClinVar aggregate classification (germline): Uncertain significance (1 of 4 stars; one submission).

gnomAD v4.1: 3 of 1,613,596 alleles (0.00019%); highest among the groups gnomAD compares: Admixed American, 0.005%; no homozygotes.

Submission:

Women's Health and Genetics/Laboratory Corporation of America, LabCorp
Classification: Uncertain significance. Last evaluated: 2024-11-11. Review status: criteria provided, single submitter. Criteria: LabCorp Variant Classification Summary - May 2015. Collection method: clinical testing. Allele origin: germline.
Comment: Variant summary: TTN c.74942C>T (p.Ala24981Val), also reported as NM_001267550:c.82646C>T (p.Ala27549Val), results in a non-conservative amino acid change located in the A-band of the encoded protein sequence. Three of four in-silico tools predict a damaging effect of the variant on protein function. The variant allele was found at a frequency of 1.9e-06 in 1613596 control chromosomes. The available data on variant occurrences in the general population are insufficient to allow any conclusion about variant significance. c.74942C>T has been reported in an unknown state in the literature in individuals affected with Dilated Cardiomyopathy (example, Campuzano_2015, Martinez-Barrios_2022). These report(s) do not provide unequivocal conclusions about association of the variant with Dilated Cardiomyopathy or other TTN-related conditions. To our knowledge, no experimental evidence demonstrating an impact on protein function has been reported. The following publications have been ascertained in the context of this evaluation (PMID: 26516846, 35207729). No submitters have cited clinical-significance assessments for this variant to ClinVar. Based on the evidence outlined above, the variant was classified as uncertain significance.

Literature cited by the submitters: PubMed 26516846; PubMed 35207729.

NM_001267550.2(TTN):c.82646C>T (p.Ala27549Val)

Genes: TTN (titin; minus strand), TTN-AS1 (TTN antisense RNA 1; plus strand). Cytogenetic location: 2q31.2.
Variant type: single nucleotide variant.
Coding change: c.82646C>T on transcript NM_001267550.2 (MANE Select); coding-DNA position 82646, C replaced by T.
Protein change: p.Ala27549Val; replaces alanine 27549 with valine.
Molecular consequence: missense variant.
Genome position (GRCh38, 1-based): chr2:178,563,486, G>A on the plus strand (C>T on the coding strand, the complement: TTN is on the minus strand). VCF-style: chr2-178563486-G-A. GRCh37 (hg19) VCF-style: chr2-179428213-G-A.
Other names: c.77723C>T, p.Ala25908Val (NM_001256850.1); c.55451C>T, p.Ala18484Val (NM_003319.4); c.74942C>T, p.Ala24981Val (NM_133378.4); c.55826C>T, p.Ala18609Val (NM_133432.3); c.56027C>T, p.Ala18676Val (NM_133437.4); short protein forms A18484V, A18609V, A18676V, A24981V, A25908V, A27549V.
Identifiers: ClinVar variation 3629730 (VCV003629730.1).
Genomic context (GRCh38, chr2:178,563,486, plus strand): 5'-TACAAGGCATCACACGCACGGTAGAAAACAGATGGCTCACTAGGTTCTCCCACACCAGCT[G>A]CATTTTCAGCAGCAACTCTGAATTCATAGGAATGGCCTTCGGTAAGACCAGTTACCCTGA-3'
Protein context (NP_001254479.2, residues 27539-27559): SYEFRVAAEN[Ala27549Val]AGVGEPSEPS